The following is an entry in ClinVar:

ClinVar aggregate classification (germline): Uncertain significance. Review status: criteria provided, multiple submitters, no conflicts (2 of 4 stars). 3 submissions from 3 submitters: Uncertain significance (2). 1 of the submissions does not count toward it. Last evaluated 2024-12-06.

Conditions:
Ellis-van Creveld syndrome (EVC). Also called: EVC-Related Ellis-van Creveld Syndrome; EVC2-Related Ellis-van Creveld Syndrome; MESOECTODERMAL DYSPLASIA; Chondroectodermal dysplasia. Identifiers: Orphanet 289, MedGen C0013903, MONDO:0009162, OMIM 225500.
Inborn genetic diseases. Identifiers: MedGen C0950123, MeSH D030342.
Curry-Hall syndrome (WAD). Also called: WEYERS ACRODENTAL DYSOSTOSIS. Identifiers: Orphanet 952, MedGen C0457013, MONDO:0008673, OMIM 193530.

gnomAD v4.1: 11 of 1,565,204 alleles (0.0007%); highest among the groups gnomAD compares: Non-Finnish European, 0.00095%; no homozygotes.

Submissions (3):

Ambry Genetics
Classification: Uncertain significance for Inborn genetic diseases. Last evaluated: 2024-12-06. Review status: criteria provided, single submitter. Criteria: Ambry Variant Classification Scheme 2023. Collection method: clinical testing. Allele origin: germline.

Labcorp Genetics (formerly Invitae), Labcorp
Classification: Uncertain significance for Curry-Hall syndrome; Ellis-van Creveld syndrome. Last evaluated: 2022-03-14. Review status: criteria provided, single submitter. Criteria: Invitae Variant Classification Sherloc (09022015). Collection method: clinical testing. Allele origin: germline.
Comment: This sequence change replaces arginine, which is basic and polar, with glycine, which is neutral and non-polar, at codon 702 of the EVC protein (p.Arg702Gly). This variant is present in population databases (rs545087909, gnomAD 0.001%). This variant has not been reported in the literature in individuals affected with EVC-related conditions. ClinVar contains an entry for this variant (Variation ID: 1052662). Algorithms developed to predict the effect of missense changes on protein structure and function are either unavailable or do not agree on the potential impact of this missense change (SIFT: "Deleterious"; PolyPhen-2: "Probably Damaging"; Align-GVGD: "Class C0"). In summary, the available evidence is currently insufficient to determine the role of this variant in disease. Therefore, it has been classified as a Variant of Uncertain Significance.

Natera, Inc.
Classification: Uncertain significance for Ellis-van Creveld syndrome. Last evaluated: 2020-01-15. Review status: no assertion criteria provided. Collection method: clinical testing. Allele origin: germline. Not counted in ClinVar's aggregate classification.

NM_153717.3(EVC):c.2104C>G (p.Arg702Gly)

Gene: EVC (EvC ciliary complex subunit 1; plus strand). Cytogenetic location: 4p16.2.
Variant type: single nucleotide variant.
Coding change: c.2104C>G on transcript NM_153717.3 (MANE Select); coding-DNA position 2104, C replaced by G.
Protein change: p.Arg702Gly; replaces arginine 702 with glycine.
Molecular consequence: missense variant.
Genome position (GRCh38, 1-based): chr4:5,798,592, C>G. VCF-style: chr4-5798592-C-G. GRCh37 (hg19) VCF-style: chr4-5800319-C-G.
Other names: c.2104C>G, p.Arg702Gly (NM_001306090.2); c.2104C>G (NM_153717.2); short protein forms R702G.
Identifiers: ClinVar variation 1052662 (VCV001052662.9), dbSNP rs545087909, ClinGen allele CA91718975.